The following is an entry in ClinVar:

ClinVar aggregate classification (germline): Uncertain significance (1 of 4 stars; one submission).

Conditions:
Finnish congenital nephrotic syndrome (NPHS1). Also called: NEPHROTIC SYNDROME, TYPE 1. Identifiers: Orphanet 839, MedGen C0403399, MONDO:0009732, OMIM 256300.

Submission:

Myriad Genetics, Inc.
Classification: Uncertain significance for Finnish congenital nephrotic syndrome. Last evaluated: 2025-08-29. Review status: criteria provided, single submitter. Criteria: Myriad Autosomal Dominant, Autosomal Recessive and X-Linked Classification Criteria (2023). Collection method: clinical testing. Allele origin: unknown.
Comment: NM_004646.3(NPHS1):c.2928-3C>G is an intronic variant classified as a variant of uncertain significance in the context of nephrotic syndrome, NPHS1-related. c.2928-3C>G has been observed in a case with relevant disease (PMID: 20798252). Relevant functional assessments of this variant are not available in the literature. c.2928-3C>G has not been observed in referenced population frequency databases. In summary, there is insufficient evidence to classify NM_004646.3(NPHS1):c.2928-3C>G as pathogenic or benign. Please note: this variant was assessed in the context of healthy population screening.

Literature cited by the submitters: PubMed 20798252.

NM_004646.4(NPHS1):c.2928-3C>G

Gene: NPHS1 (NPHS1 adhesion molecule, nephrin; minus strand). Cytogenetic location: 19q13.12.
Variant type: single nucleotide variant.
Coding change: c.2928-3C>G on transcript NM_004646.4 (MANE Select); 3 bases into the intron before coding-DNA position 2928, C replaced by G.
Molecular consequence: intron variant.
Genome position (GRCh38, 1-based): chr19:35,839,421, G>C on the plus strand (C>G on the coding strand, the complement: NPHS1 is on the minus strand). VCF-style: chr19-35839421-G-C. GRCh37 (hg19) VCF-style: chr19-36330323-G-C.
Identifiers: ClinVar variation 5004943 (VCV005004943.1).
Genomic context (GRCh38, chr19:35,839,421, plus strand): 5'-GGCCTGGGGTGGTACGACATCCACATAGTGGAACCCTGGAGTCCCCAGGGCCTCATACCT[G>C]CAGGACAGGGGGATAGTAAATTCAGGGAAGTGCCCTAGCCCATTCCCTTCCCTCCTGCCT-3'